The following is an entry in ClinVar:

NM_024675.4(PALB2):c.48+4C>T

Gene: PALB2 (partner and localizer of BRCA2; minus strand). Cytogenetic location: 16p12.2.
Variant type: single nucleotide variant.
Coding change: c.48+4C>T on transcript NM_024675.4 (MANE Select); 4 bases into the intron after coding-DNA position 48, C replaced by T.
Molecular consequence: intron variant.
Genome position (GRCh38, 1-based): chr16:23,641,106, G>A on the plus strand (C>T on the coding strand, the complement: PALB2 is on the minus strand). VCF-style: chr16-23641106-G-A. GRCh37 (hg19) VCF-style: chr16-23652427-G-A.
Identifiers: ClinVar variation 232567 (VCV000232567.16), dbSNP rs876659843, ClinGen allele CA10580056.

ClinVar aggregate classification (germline): Uncertain significance. Review status: criteria provided, multiple submitters, no conflicts (2 of 4 stars). 3 submissions from 3 submitters: Uncertain significance (3). Last evaluated 2025-03-07.

Conditions:
Hereditary cancer-predisposing syndrome. Also called: Neoplastic Syndromes, Hereditary; Tumor predisposition; Hereditary Cancer Syndrome; Hereditary neoplastic syndrome. Identifiers: Orphanet 140162, MedGen C0027672, MeSH D009386, MONDO:0015356.
Familial cancer of breast. Also called: BREAST CANCER, FAMILIAL; hereditary breast carcinoma; Hereditary breast cancer. Identifiers: Orphanet 227535, MedGen C0346153, MONDO:0016419, OMIM 114480. Disease mechanism: loss of function.

Allele frequency attached by ClinVar (database versions not stated): TOPMed 0.00001; gnomAD 0.00002.
gnomAD v4.1: 3 of 1,613,122 alleles (0.00019%); highest among the groups gnomAD compares: African/African-American, 0.004%; no homozygotes.

Submissions (3):

Labcorp Genetics (formerly Invitae), Labcorp
Classification: Uncertain significance for Familial cancer of breast. Last evaluated: 2025-03-07. Review status: criteria provided, single submitter. Criteria: Invitae Variant Classification Sherloc (09022015). Collection method: clinical testing. Allele origin: germline.
Comment: This sequence change falls in intron 1 of the PALB2 gene. It does not directly change the encoded amino acid sequence of the PALB2 protein. It affects a nucleotide within the consensus splice site. This variant is present in population databases (no rsID available, gnomAD 0.004%). This variant has not been reported in the literature in individuals affected with PALB2-related conditions. ClinVar contains an entry for this variant (Variation ID: 232567). Variants that disrupt the consensus splice site are a relatively common cause of aberrant splicing (PMID: 17576681, 9536098). Studies have shown that this variant does not affect mRNA splicing (PMID: 34846068). In summary, the available evidence is currently insufficient to determine the role of this variant in disease. Therefore, it has been classified as a Variant of Uncertain Significance.

Ambry Genetics
Classification: Uncertain significance for Hereditary cancer-predisposing syndrome. Last evaluated: 2024-09-04. Review status: criteria provided, single submitter. Criteria: Ambry Variant Classification Scheme 2023. Collection method: clinical testing. Allele origin: germline.
Comment: The c.48+4C>T intronic variant results from a C to T substitution 4 nucleotides after coding exon 1 in the PALB2 gene. A published RNA study categorized this variant as having no significant effect on splicing; however, the clinical impact of this finding is unknown at this time (Valenzuela-Palomo A et al. J Pathol, 2022 Mar;256:321-334). This nucleotide position is highly conserved in available vertebrate species. In silico splice site analysis for this alteration is inconclusive. Based on the available evidence, the clinical significance of this variant remains unclear.

Color Diagnostics, LLC DBA Color Health
Classification: Uncertain significance for Hereditary cancer-predisposing syndrome. Last evaluated: 2023-02-07. Review status: criteria provided, single submitter. Criteria: ACMG Guidelines, 2015. Collection method: clinical testing. Allele origin: germline.
Comment: This variant causes a C to T nucleotide substitution at the +4 position of intron 1 of the PALB2 gene. Splice site prediction tools are inconclusive regarding the impact of this variant on RNA splicing. A minigene splicing assay reported that this variant produced mainly full-length transcript (94.5%) and a small fraction of out-of-frame splicing product (5.5%) (PMID: 34846068). This variant was reported to be detected among the Breast Cancer After Diagnostic Gene Sequencing (BRIDGES) project comprising of breast cancer cases and unaffected control individuals, however, the cancer health history of the carrier(s) was not disclosed (PMID: 34846068). This variant has not been identified in the general population by the Genome Aggregation Database (gnomAD). The available evidence is insufficient to determine the role of this variant in disease conclusively. Therefore, this variant is classified as a Variant of Uncertain Significance.

Literature cited by the submitters: PubMed 17576681 (cited by Labcorp Genetics (formerly Invitae), Labcorp); PubMed 9536098 (cited by Labcorp Genetics (formerly Invitae), Labcorp); PubMed 34846068 (cited by 3 submitters).